The following is an entry in ClinVar:

ClinVar aggregate classification (germline): Uncertain significance (1 of 4 stars; one submission).

Conditions:
Dilated cardiomyopathy 1JJ (CMD1JJ). Identifiers: Orphanet 154, MedGen C3808935, MONDO:0014095, OMIM 615235.

gnomAD v4.1: 2 of 1,614,168 alleles (0.00012%); highest among the groups gnomAD compares: Non-Finnish European, 0.00017%; no homozygotes.

Submission:

Labcorp Genetics (formerly Invitae), Labcorp
Classification: Uncertain significance for Dilated cardiomyopathy 1JJ. Last evaluated: 2024-12-10. Review status: criteria provided, single submitter. Criteria: Invitae Variant Classification Sherloc (09022015). Collection method: clinical testing. Allele origin: germline.
Comment: This sequence change replaces glutamic acid, which is acidic and polar, with glutamine, which is neutral and polar, at codon 732 of the LAMA4 protein (p.Glu732Gln). This variant is present in population databases (no rsID available, gnomAD 0.0009%). This variant has not been reported in the literature in individuals affected with LAMA4-related conditions. Invitae Evidence Modeling of protein sequence and biophysical properties (such as structural, functional, and spatial information, amino acid conservation, physicochemical variation, residue mobility, and thermodynamic stability) indicates that this missense variant is not expected to disrupt LAMA4 protein function with a negative predictive value of 80%. In summary, the available evidence is currently insufficient to determine the role of this variant in disease. Therefore, it has been classified as a Variant of Uncertain Significance.

NM_001105206.3(LAMA4):c.2215G>C (p.Glu739Gln)

Gene: LAMA4 (laminin subunit alpha 4; minus strand). Cytogenetic location: 6q21.
Variant type: single nucleotide variant.
Coding change: c.2215G>C on transcript NM_001105206.3 (MANE Select); coding-DNA position 2215, G replaced by C.
Protein change: p.Glu739Gln; replaces glutamic acid 739 with glutamine.
Molecular consequence: missense variant.
Genome position (GRCh38, 1-based): chr6:112,148,295, C>G on the plus strand (G>C on the coding strand, the complement: LAMA4 is on the minus strand). VCF-style: chr6-112148295-C-G. GRCh37 (hg19) VCF-style: chr6-112469497-C-G.
Other names: c.2194G>C, p.Glu732Gln (NM_001105207.3, NM_002290.5); short protein forms E732Q, E739Q.
Identifiers: ClinVar variation 3678730 (VCV003678730.2).
Genomic context (GRCh38, chr6:112,148,295, plus strand): 5'-GATTGTTGGCCATGGGGGCAGTGGCCTGCTGCACCTCCATCGTCGTCCTGTTGGCTTCCT[C>G]GGTGATCAGTCTAGACTGCCCCAGGCGCTGCTGGGCATCCCCTTTACACAGAGCACAGGG-3'
Protein context (NP_001098676.2, residues 729-749): QRLGQSRLIT[Glu739Gln]EANRTTMEVQ